The following is an entry in ClinVar:

NM_032122.5(DTNBP1):c.1011_1014dup (p.Arg339Ter)

Gene: DTNBP1 (dystrobrevin binding protein 1; minus strand). Cytogenetic location: 6p22.3.
Variant type: Duplication.
Coding change: c.1011_1014dup on transcript NM_032122.5 (MANE Select); coding-DNA positions 1011 to 1014, 4 bases duplicated (TGAC; older notation c.1011_1014dupTGAC).
Protein change: p.Arg339Ter; replaces arginine 339 with a stop codon.
Molecular consequence: nonsense. On other transcripts: frameshift variant (2).
Genome position (GRCh38, 1-based): chr6:15,523,017-15,523,020, GTCA duplicated on the plus strand (TGAC on the coding strand, the reverse complement: DTNBP1 is on the minus strand); duplicating any 4 consecutive bases within chr6:15,523,017-15,523,022 gives the same sequence; the c. name uses the placement nearest the transcript's 3' end. VCF-style (leftmost placement, unchanged base first): chr6-15523016-T-TGTCA. GRCh37 (hg19) VCF-style: chr6-15523247-T-TGTCA.
Other names: c.768_771dup, p.Arg258Ter (NM_001271667.2); c.960_963dup, p.Arg322Ter (NM_001271668.2); c.906_909dup, p.Arg304Ter (NM_001271669.2); c.766_769dup, p.Arg258Terfs (NM_183041.1); c.1011_1014dupTGAC (NM_032122.4); short protein forms R258*, R304*, R322*, R339*.
Identifiers: ClinVar variation 2634805 (VCV002634805.1), dbSNP rs1772009067, ClinGen allele CA2677405534.

ClinVar aggregate classification (germline): Likely pathogenic (1 of 4 stars; one submission).

Conditions:
DTNBP1-related disorder. Also called: DTNBP1-related condition.

Submission:

PreventionGenetics, part of Exact Sciences
Classification: Likely pathogenic for DTNBP1-related condition. Last evaluated: 2023-05-10. Review status: criteria provided, single submitter. Criteria: ACMG Guidelines, 2015. Collection method: clinical testing. Allele origin: germline.
Comment: The DTNBP1 c.1011_1014dupTGAC variant is predicted to result in premature protein termination (p.Arg339*). To our knowledge, this variant has not been reported in the literature or in a large population database, indicating this variant is rare. Nonsense variants in DTNBP1 are expected to be pathogenic. This variant is interpreted as likely pathogenic.